The following is an entry in ClinVar:

ClinVar aggregate classification (germline): Conflicting classifications of pathogenicity. Review status: criteria provided, conflicting classifications (1 of 4 stars). 2 submissions from 2 submitters: Uncertain significance (1); Likely benign (1). Last evaluated 2025-02-09.

Allele frequency attached by ClinVar (database versions not stated): gnomAD 0.00001; ExAC 0.00003.
gnomAD v4.1: 26 of 1,613,724 alleles (0.0016%); highest among the groups gnomAD compares: South Asian, 0.0022%; no homozygotes.

Submissions (2):

Ambry Genetics
Classification: Uncertain significance. Last evaluated: 2025-02-09. Review status: criteria provided, single submitter. Criteria: Ambry Variant Classification Scheme 2023. Collection method: clinical testing. Allele origin: germline.

CeGaT Center for Human Genetics Tuebingen
Classification: Likely benign. Last evaluated: 2023-06-01. Review status: criteria provided, single submitter. Criteria: CeGaT Center For Human Genetics Tuebingen Variant Classification Criteria Version 2. Collection method: clinical testing. Allele origin: germline. Affected: yes. Observed: 1 variant allele.
Comment: CHD1: BS2

NM_001270.4(CHD1):c.4958A>C (p.Lys1653Thr)

Gene: CHD1 (chromodomain helicase DNA binding protein 1; minus strand). Cytogenetic location: 5q15.
Variant type: single nucleotide variant.
Coding change: c.4958A>C on transcript NM_001270.4 (MANE Select); coding-DNA position 4958, A replaced by C.
Protein change: p.Lys1653Thr; replaces lysine 1653 with threonine.
Molecular consequence: missense variant. On other transcripts: non-coding transcript variant (2).
Genome position (GRCh38, 1-based): chr5:98,856,555, T>G on the plus strand (A>C on the coding strand, the complement: CHD1 is on the minus strand). VCF-style: chr5-98856555-T-G. GRCh37 (hg19) VCF-style: chr5-98192259-T-G.
Other names: c.5222A>C, p.Lys1741Thr (NM_001364113.3); c.4958A>C, p.Lys1653Thr (NM_001376194.2); c.4958A>C (NM_001270.2); short protein forms K1653T, K1741T.
Identifiers: ClinVar variation 2655603 (VCV002655603.25), dbSNP rs749154860, ClinGen allele CA3355531.